The following is an entry in ClinVar:

ClinVar aggregate classification (germline): Uncertain significance (0 of 4 stars; one submission).

Conditions:
PCSK5-related disorder. Also called: PCSK5-related condition.

Allele frequency attached by ClinVar (database versions not stated): gnomAD exomes below 0.00001; TOPMed below 0.00001.
gnomAD v4.1: 2 of 1,613,056 alleles (0.00012%); highest among the groups gnomAD compares: Non-Finnish European, 0.00017%; no homozygotes.

Submission:

PreventionGenetics, part of Exact Sciences
Classification: Uncertain significance for PCSK5-related condition. Last evaluated: 2023-11-15. Review status: no assertion criteria provided. Collection method: clinical testing. Allele origin: germline.
Comment: The PCSK5 c.1404T>C variant is not predicted to result in an amino acid change (p.=). This variant is predicted to increase the strength of a cryptic donor splice site (SpliceAI, Jaganathan et al. 2019. PubMed ID: 30661751). To our knowledge, this variant has not been reported in the literature or in a large population database, indicating this variant is rare. At this time, the clinical significance of this variant is uncertain due to the absence of conclusive functional and genetic evidence.

NM_001372043.1(PCSK5):c.1404T>C (p.Cys468=)

Gene: PCSK5 (proprotein convertase subtilisin/kexin type 5; plus strand). Cytogenetic location: 9q21.13.
Variant type: single nucleotide variant.
Coding change: c.1404T>C on transcript NM_001372043.1 (MANE Select); coding-DNA position 1404, T replaced by C.
Protein change: p.Cys468=; no amino-acid change (cysteine 468 retained).
Molecular consequence: synonymous variant. On other transcripts: non-coding transcript variant (1).
Genome position (GRCh38, 1-based): chr9:76,157,136, T>C. VCF-style: chr9-76157136-T-C. GRCh37 (hg19) VCF-style: chr9-78772052-T-C.
Other names: c.1404T>C, p.Cys468= (NM_001190482.2, NM_006200.6).
Identifiers: ClinVar variation 3032170 (VCV003032170.2), dbSNP rs1822621346, ClinGen allele CA465505455.